The following is an entry in ClinVar:

ClinVar aggregate classification (germline): Conflicting classifications of pathogenicity. Review status: criteria provided, conflicting classifications (1 of 4 stars). 3 submissions from 3 submitters: Likely pathogenic (1); Uncertain significance (2). Last evaluated 2026-01-05.

Conditions:
RYR1-related disorder. Also called: RYR1-related disorders; RYR1-related condition. Identifiers: MedGen CN239331.
Malignant hyperthermia, susceptibility to, 1 (MHS1). Also called: Malignant hyperthermia suceptibility 1; RYR1-Related Malignant Hyperthermia Susceptibility; Anesthesia related hyperthermia; Malignant hyperpyrexia; Fulminating hyperpyrexia; Pharmacogenic myopathy. Identifiers: Orphanet 423, MedGen C2930980, MONDO:0007783, OMIM 145600.

Allele frequency attached by ClinVar (database versions not stated): gnomAD exomes below 0.00001; gnomAD 0.00001; TOPMed 0.00001.
gnomAD v4.1: 2 of 1,613,758 alleles (0.00012%); highest among the groups gnomAD compares: Admixed American, 0.0033%; no homozygotes.

Submissions (3):

Labcorp Genetics (formerly Invitae), Labcorp
Classification: Likely pathogenic for RYR1-related disorder. Last evaluated: 2026-01-05. Review status: criteria provided, single submitter. Criteria: Invitae Variant Classification Sherloc (09022015). Collection method: clinical testing. Allele origin: germline.
Comment: This sequence change replaces glycine, which is neutral and non-polar, with arginine, which is basic and polar, at codon 215 of the RYR1 protein (p.Gly215Arg). This variant is present in population databases (no rsID available, gnomAD 0.006%). This missense change has been observed in individual(s) with clinical features of autosomal recessive RYR1-related myopathy (internal data). ClinVar contains an entry for this variant (Variation ID: 838708). Invitae Evidence Modeling of protein sequence and biophysical properties (such as structural, functional, and spatial information, amino acid conservation, physicochemical variation, residue mobility, and thermodynamic stability) indicates that this missense variant is expected to disrupt RYR1 protein function with a positive predictive value of 95%. This variant disrupts the p.Gly215 amino acid residue in RYR1. Other variant(s) that disrupt this residue have been determined to be pathogenic (PMID: 12937085, 24319099). This suggests that this residue is clinically significant, and that variants that disrupt this residue are likely to be disease-causing. In summary, the currently available evidence indicates that the variant is pathogenic, but additional data are needed to prove that conclusively. Therefore, this variant has been classified as Likely Pathogenic.

All of Us Research Program, National Institutes of Health
Classification: Uncertain significance for Malignant hyperthermia, susceptibility to, 1. Last evaluated: 2024-06-09. Review status: criteria provided, single submitter. Criteria: ACMG Guidelines, 2015. Collection method: clinical testing. Allele origin: germline. Inheritance: Autosomal dominant inheritance. Observed: 2 variant alleles, 2 heterozygotes.
Comment: This missense variant replaces glycine with arginine at codon 215 of the RYR1 protein. Computational prediction suggests that this variant may have deleterious impact on protein structure and function. To our knowledge, functional studies have not been reported for this variant. his variant has not been reported in individuals affected with autosomal dominant malignant hyperthermia in the literature, although it is associated with other phenotype(s) (ClinVar variation ID: 838708). This variant has been identified in 2/282844 chromosomes in the general population by the Genome Aggregation Database (gnomAD). Due to insufficient evidence, this variant is classified as a Variant of Uncertain Significance for autosomal dominant malignant hyperthermia.

This study involves interpretation of variants in research participants for the purpose of population health screening. Participant phenotype was not available at the time of variant classification. Additional details can be found in publication PMID: 35346344, PMCID: PMC8962531

Revvity Omics, Revvity
Classification: Uncertain significance. Last evaluated: 2019-10-07. Review status: criteria provided, single submitter. Criteria: ACMG Guidelines, 2015. Collection method: clinical testing. Allele origin: germline.

Literature cited by the submitters: PubMed 12937085 (cited by Labcorp Genetics (formerly Invitae), Labcorp); PubMed 24319099 (cited by Labcorp Genetics (formerly Invitae), Labcorp).

NM_000540.3(RYR1):c.643G>A (p.Gly215Arg)

Gene: RYR1 (ryanodine receptor 1; plus strand). Cytogenetic location: 19q13.2.
Variant type: single nucleotide variant.
Coding change: c.643G>A on transcript NM_000540.3 (MANE Select); coding-DNA position 643, G replaced by A.
Protein change: p.Gly215Arg; replaces glycine 215 with arginine.
Molecular consequence: missense variant.
Genome position (GRCh38, 1-based): chr19:38,446,483, G>A. VCF-style: chr19-38446483-G-A. GRCh37 (hg19) VCF-style: chr19-38937123-G-A.
Other names: c.643G>A, p.Gly215Arg (NM_001042723.2); short protein forms G215R.
Identifiers: ClinVar variation 838708 (VCV000838708.12), dbSNP rs1393197844, ClinGen allele CA405679273.